The following is an entry in ClinVar:

NM_152641.4(ARID2):c.4995G>C (p.Gly1665=)

Gene: ARID2 (AT-rich interaction domain 2; plus strand). Cytogenetic location: 12q12.
Variant type: single nucleotide variant.
Coding change: c.4995G>C on transcript NM_152641.4 (MANE Select); coding-DNA position 4995, G replaced by C.
Protein change: p.Gly1665=; no amino-acid change (glycine 1665 retained).
Molecular consequence: synonymous variant.
Genome position (GRCh38, 1-based): chr12:45,891,852, G>C. VCF-style: chr12-45891852-G-C. GRCh37 (hg19) VCF-style: chr12-46285635-G-C.
Other names: c.4995G>C, p.Gly1665= (NM_001347839.2).
Identifiers: ClinVar variation 745551 (VCV000745551.9), dbSNP rs141708323, ClinGen allele CA6526778.
Genomic context (GRCh38, chr12:45,891,852, plus strand): 5'-ACCCTCACAGGTTTTCTACCATGCAGCAACTGAACATGGAGGAAAAGATGTATATCCAGG[G>C]CAGTGTCTTTGGGAAGGTTGTGAGCCTTTTCAGCGACAGCGGTTTTCTTTTATTACCCAC-3'
Protein context (NP_689854.2, residues 1655-1675): TEHGGKDVYP[Gly1665=]QCLWEGCEPF

ClinVar aggregate classification (germline): Likely benign. Review status: criteria provided, multiple submitters, no conflicts (2 of 4 stars). 2 submissions from 2 submitters: Likely benign (2). Last evaluated 2025-11-01.

Allele frequency attached by ClinVar (database versions not stated): ExAC 0.00018; gnomAD 0.00021; gnomAD exomes 0.00021; TOPMed 0.00027; ESP Exome Variant Server 0.00038.
gnomAD v4.1: 716 of 1,614,054 alleles (0.044%); highest among the groups gnomAD compares: Non-Finnish European, 0.058%; no homozygotes.

Submissions (2):

CeGaT Center for Human Genetics Tuebingen
Classification: Likely benign. Last evaluated: 2025-11-01. Review status: criteria provided, single submitter. Criteria: CeGaT Center For Human Genetics Tuebingen Variant Classification Criteria Version 2. Collection method: clinical testing. Allele origin: germline. Affected: yes. Observed: 1 variant allele.
Comment: ARID2: BP4, BP7

Labcorp Genetics (formerly Invitae), Labcorp
Classification: Likely benign. Last evaluated: 2019-12-31. Review status: criteria provided, single submitter. Criteria: Invitae Variant Classification Sherloc (09022015). Collection method: clinical testing. Allele origin: germline.